The following is an entry in ClinVar:

ClinVar aggregate classification (germline): Conflicting classifications of pathogenicity. Review status: criteria provided, conflicting classifications (1 of 4 stars). 13 submissions from 11 submitters: Pathogenic (1); Likely pathogenic (1); Uncertain significance (3); Likely benign (7). 1 of the submissions does not count toward it. Last evaluated 2026-09-01.

Conditions:
ABCA4-related retinopathy. Also called: ABCA4 retinoapthy; ABCA4-related retinoapthy. Identifiers: MedGen CN322612, MONDO:0800406.
ABCA4-related disorder. Also called: ABCA4-related condition; ABCA4-related disorders. Identifiers: MedGen CN239167.
Optic atrophy. Identifiers: MedGen C0029124, MONDO:0003608, HP:0000648.
Retinal dystrophy. Also called: Inherited retinal dystrophy. Identifiers: Orphanet 71862, MedGen C0854723, MeSH D058499, MONDO:0019118, HP:0000556.
Severe early-childhood-onset retinal dystrophy (STGD1). Also called: Stargardt macular dystrophy; Juvenile onset macular degeneration; Stargardt disease 1; MACULAR DYSTROPHY WITH FLECKS, TYPE 1; STGD. Identifiers: Orphanet 364055, Orphanet 827, MedGen C1855465, MeSH D000080362, MONDO:0009549, OMIM 248200.
Cone dystrophy. Identifiers: Orphanet 1871, MedGen C0730290, MONDO:0000455.

Allele frequency attached by ClinVar (database versions not stated): 1000 Genomes Project 30x 0.00031; 1000 Genomes Project 0.00040; ESP Exome Variant Server 0.00269; ExAC 0.00262; TOPMed 0.00180; gnomAD exomes 0.00242 and 0.00250; gnomAD 0.00232 and 0.00239.
gnomAD v4.1: 3,981 of 1,614,112 alleles (0.25%); highest among the groups gnomAD compares: Non-Finnish European, 0.28%; 15 homozygotes.

Submissions (13):

CeGaT Center for Human Genetics Tuebingen
Classification: Likely benign. Last evaluated: 2026-09-01. Review status: criteria provided, single submitter. Criteria: CeGaT Center For Human Genetics Tuebingen Variant Classification Criteria Version 2. Collection method: clinical testing. Allele origin: germline. Affected: yes. Observed: 11 variant alleles.
Comment: ABCA4: BS2

Labcorp Genetics (formerly Invitae), Labcorp
Classification: Likely benign. Last evaluated: 2026-02-02. Review status: criteria provided, single submitter. Criteria: Invitae Variant Classification Sherloc (09022015). Collection method: clinical testing. Allele origin: germline.

PreventionGenetics, part of Exact Sciences
Classification: Likely benign for ABCA4-related condition. Last evaluated: 2025-11-18. Review status: criteria provided, single submitter. Criteria: ACMG Guidelines, 2015. Collection method: clinical testing. Allele origin: germline.
Comment: This variant is classified as likely benign based on ACMG/AMP sequence variant interpretation guidelines (Richards et al. 2015 PMID: 25741868, with internal and published modifications).

Blueprint Genetics
Classification: Likely benign. Last evaluated: 2024-11-25. Review status: criteria provided, single submitter. Criteria: ACMG Guidelines, 2015. Collection method: clinical testing. Allele origin: germline.

Dept Of Ophthalmology, Nagoya University
Classification: Uncertain significance for Retinal dystrophy. Last evaluated: 2023-10-01. Review status: criteria provided, single submitter. Criteria: Submitter's publication. Collection method: research. Allele origin: germline. Affected: yes.

Department of Pathology and Laboratory Medicine, Sinai Health System
Classification: Uncertain significance for ABCA4-related retinopathy. Last evaluated: 2023-04-08. Review status: criteria provided, single submitter. Criteria: ACMG Guidelines, 2015. Collection method: research. Allele origin: germline.

Institute of Human Genetics, Univ. Regensburg, Univ. Regensburg
Classification: Likely benign for Optic atrophy. Last evaluated: 2023-01-01. Review status: criteria provided, single submitter. Criteria: ACMG Guidelines, 2015. Collection method: clinical testing. Allele origin: germline. Affected: yes.

Institute of Human Genetics, Univ. Regensburg, Univ. Regensburg
Classification: Likely benign for Retinal dystrophy. Last evaluated: 2023-01-01. Review status: criteria provided, single submitter. Criteria: ACMG Guidelines, 2015. Collection method: clinical testing. Allele origin: germline. Affected: yes.

GeneDx
Classification: Likely benign. Last evaluated: 2021-06-14. Review status: criteria provided, single submitter. Criteria: GeneDx Variant Classification Process June 2021. Collection method: clinical testing. Allele origin: germline. Affected: yes.
Comment: Identified as a single heterozygous variant in an individual with retinitis pigmentosa who had a different genetic etiology for the phenotype (Eisenberger et al., 2013); This variant is associated with the following publications: (PMID: 28044389, 29925512, 32581362, 24265693, 25346251, 26720470, 28224992, 29555955, 29854428, 28118664, 28041643)

Cambridge Genomics Laboratory, East Genomic Laboratory Hub, NHS Genomic Medicine Service
Classification: Pathogenic for Severe early-childhood-onset retinal dystrophy. Last evaluated: 2020-06-18. Review status: criteria provided, single submitter. Criteria: ACGS Best Practice Guidelines for Variant Classification in Rare Disease 2020. Collection method: clinical testing. Allele origin: germline. Affected: yes. Observed: 1 variant allele.

Eurofins Ntd Llc (ga)
Classification: Uncertain significance. Last evaluated: 2017-01-05. Review status: criteria provided, single submitter. Criteria: EGL Classification Definitions 2015. Collection method: clinical testing. Allele origin: germline. Observed: 2 variant alleles, 2 heterozygotes.

Institute of Human Genetics, Univ. Regensburg, Univ. Regensburg
Classification: Likely pathogenic for Severe early-childhood-onset retinal dystrophy. Last evaluated: 2016-01-01. Review status: criteria provided, single submitter. Criteria: Schulz et al. (Invest Ophthalmol Vis Sci. 2017). Collection method: clinical testing. Allele origin: germline. Affected: yes. Observed: 5 heterozygotes.

NIHR Bioresource Rare Diseases, University of Cambridge
Classification: Likely pathogenic for Cone-rod dystrophy. Last evaluated: 2015-01-01. Review status: no assertion criteria provided. Collection method: research. Allele origin: unknown. Affected: yes. Observed: 1 variant allele. Not counted in ClinVar's aggregate classification.

Literature cited by the submitters: PubMed 24265693 (cited by Institute of Human Genetics, Univ. Regensburg, Univ. Regensburg and NIHR Bioresource Rare Diseases, University of Cambridge); PubMed 25346251 (cited by Institute of Human Genetics, Univ. Regensburg, Univ. Regensburg); PubMed 26720470 (cited by Institute of Human Genetics, Univ. Regensburg, Univ. Regensburg); PubMed 28224992 (cited by Institute of Human Genetics, Univ. Regensburg, Univ. Regensburg); PubMed 28118664 (cited by Institute of Human Genetics, Univ. Regensburg, Univ. Regensburg); PubMed 29555955 (cited by Institute of Human Genetics, Univ. Regensburg, Univ. Regensburg); PubMed 29925512 (cited by Institute of Human Genetics, Univ. Regensburg, Univ. Regensburg); PubMed 32581362 (cited by Institute of Human Genetics, Univ. Regensburg, Univ. Regensburg); PubMed 35836572 (cited by Institute of Human Genetics, Univ. Regensburg, Univ. Regensburg); PubMed 28041643 (cited by NIHR Bioresource Rare Diseases, University of Cambridge).

NM_000350.3(ABCA4):c.4771G>A (p.Gly1591Arg)

Genes: ABCA4 (ATP binding cassette subfamily A member 4; minus strand), LOC126805793 (CDK7 strongly-dependent group 2 enhancer GRCh37_chr1:94486302-94487501; plus strand). Cytogenetic location: 1p22.1.
Variant type: single nucleotide variant.
Coding change: c.4771G>A on transcript NM_000350.3 (MANE Select); coding-DNA position 4771, G replaced by A.
Protein change: p.Gly1591Arg; replaces glycine 1591 with arginine.
Molecular consequence: missense variant.
Genome position (GRCh38, 1-based): chr1:94,021,848, C>T on the plus strand (G>A on the coding strand, the complement: ABCA4 is on the minus strand). VCF-style: chr1-94021848-C-T. GRCh37 (hg19) VCF-style: chr1-94487404-C-T.
Other names: c.4549G>A, p.Gly1517Arg (NM_001425324.1); short protein forms G1591R, G1517R.
Identifiers: ClinVar variation 166616 (VCV000166616.63), dbSNP rs113106943, ClinGen allele CA233403.